The following is an entry in ClinVar:

NM_001283009.2(RTEL1):c.2716G>A (p.Glu906Lys)

Genes: RTEL1 (regulator of telomere elongation helicase 1; plus strand), RTEL1-TNFRSF6B (RTEL1-TNFRSF6B readthrough (NMD candidate); plus strand). Cytogenetic location: 20q13.33.
Variant type: single nucleotide variant.
Coding change: c.2716G>A on transcript NM_001283009.2 (MANE Select); coding-DNA position 2716, G replaced by A.
Protein change: p.Glu906Lys; replaces glutamic acid 906 with lysine.
Molecular consequence: missense variant. On other transcripts: non-coding transcript variant (1).
Genome position (GRCh38, 1-based): chr20:63,692,868, G>A. VCF-style: chr20-63692868-G-A. GRCh37 (hg19) VCF-style: chr20-62324221-G-A.
Other names: c.2047G>A, p.Glu683Lys (NM_001283010.1); c.2716G>A, p.Glu906Lys (NM_016434.4); c.2788G>A, p.Glu930Lys (NM_032957.5); short protein forms E683K, E906K, E930K.
Identifiers: ClinVar variation 3790962 (VCV003790962.1).

ClinVar aggregate classification (germline): Uncertain significance (1 of 4 stars; one submission).

Conditions:
Inborn genetic diseases. Identifiers: MedGen C0950123, MeSH D030342.

gnomAD v4.1: 3 of 1,612,534 alleles (0.00019%); highest among the groups gnomAD compares: East Asian, 0.0045%; no homozygotes.

Submission:

Ambry Genetics
Classification: Uncertain significance for Inborn genetic diseases. Last evaluated: 2024-12-14. Review status: criteria provided, single submitter. Criteria: Ambry Variant Classification Scheme 2023. Collection method: clinical testing. Allele origin: germline.
Comment: The p.E906K variant (also known as c.2716G>A), located in coding exon 28 of the RTEL1 gene, results from a G to A substitution at nucleotide position 2716. The glutamic acid at codon 906 is replaced by lysine, an amino acid with similar properties. This amino acid position is conserved. In addition, this alteration is predicted to be tolerated by in silico analysis. Based on the available evidence, the clinical significance of this variant remains unclear.